The following is an entry in ClinVar:

NM_001939.3(DRP2):c.2563A>T (p.Ile855Phe)

Gene: DRP2 (dystrophin related protein 2; plus strand). Cytogenetic location: Xq22.1.
Variant type: single nucleotide variant.
Coding change: c.2563A>T on transcript NM_001939.3 (MANE Select); coding-DNA position 2563, A replaced by T.
Protein change: p.Ile855Phe; replaces isoleucine 855 with phenylalanine.
Molecular consequence: missense variant.
Genome position (GRCh38, 1-based): chrX:101,258,481, A>T. VCF-style: chrX-101258481-A-T. GRCh37 (hg19) VCF-style: chrX-100513470-A-T.
Other names: c.2329A>T, p.Ile777Phe (NM_001171184.2); c.2563A>T (NM_001939.2); short protein forms I855F, I777F.
Identifiers: ClinVar variation 1373087 (VCV001373087.9), dbSNP rs754778339, ClinGen allele CA10472490.

ClinVar aggregate classification (germline): Uncertain significance. Review status: criteria provided, multiple submitters, no conflicts (2 of 4 stars). 2 submissions from 2 submitters: Uncertain significance (2). Last evaluated 2025-02-10.

Allele frequency attached by ClinVar (database versions not stated): gnomAD 0.00001; TOPMed 0.00001; gnomAD exomes 0.00002; ExAC 0.00003; 1000 Genomes Project 30x 0.00021; 1000 Genomes Project 0.00026.
gnomAD v4.1: 4 of 1,192,534 alleles (0.00034%); highest among the groups gnomAD compares: East Asian, 0.012%; no homozygotes.

Submissions (2):

Labcorp Genetics (formerly Invitae), Labcorp
Classification: Uncertain significance. Last evaluated: 2025-02-10. Review status: criteria provided, single submitter. Criteria: Invitae Variant Classification Sherloc (09022015). Collection method: clinical testing. Allele origin: germline.
Comment: This sequence change replaces isoleucine, which is neutral and non-polar, with phenylalanine, which is neutral and non-polar, at codon 855 of the DRP2 protein (p.Ile855Phe). This variant is present in population databases (rs754778339, gnomAD 0.03%). This variant has not been reported in the literature in individuals affected with DRP2-related conditions. ClinVar contains an entry for this variant (Variation ID: 1373087). Invitae Evidence Modeling of protein sequence and biophysical properties (such as structural, functional, and spatial information, amino acid conservation, physicochemical variation, residue mobility, and thermodynamic stability) has been performed for this missense variant. However, the output from this modeling did not meet the statistical confidence thresholds required to predict the impact of this variant on DRP2 protein function. In summary, the available evidence is currently insufficient to determine the role of this variant in disease. Therefore, it has been classified as a Variant of Uncertain Significance.

Ambry Genetics
Classification: Uncertain significance. Last evaluated: 2023-11-17. Review status: criteria provided, single submitter. Criteria: Ambry Variant Classification Scheme 2023. Collection method: clinical testing. Allele origin: germline.